The following is an entry in ClinVar:

ClinVar aggregate classification (germline): Likely pathogenic (1 of 4 stars; one submission).

Conditions:
Cerebral cavernous malformation (CCM). Also called: CAVERNOUS ANGIOMA, FAMILIAL; CAVERNOUS ANGIOMATOUS MALFORMATIONS; CEREBRAL CAPILLARY MALFORMATIONS; Cavernous Hemangioma of Brain; Cerebral cavernous hemangioma (type); Cerebral cavernous malformations. Identifiers: Orphanet 221061, MedGen C2919945, MONDO:0000820, OMIM 116860, HP:0033522.

Submission:

Labcorp Genetics (formerly Invitae), Labcorp
Classification: Likely pathogenic for Cerebral cavernous malformation. Last evaluated: 2024-11-04. Review status: criteria provided, single submitter. Criteria: Invitae Variant Classification Sherloc (09022015). Collection method: clinical testing. Allele origin: germline.
Comment: This sequence change replaces lysine, which is basic and polar, with asparagine, which is neutral and polar, at codon 675 of the KRIT1 protein (p.Lys675Asn). This variant also falls at the last nucleotide of exon 18, which is part of the consensus splice site for this exon. This variant is not present in population databases (gnomAD no frequency). This missense change has been observed in individual(s) with cerebral cavernous malformations (PMID: 23595507; internal data). ClinVar contains an entry for this variant (Variation ID: 2735042). An algorithm developed to predict the effect of missense changes on protein structure and function (PolyPhen-2) suggests that this variant is likely to be disruptive. Variants that disrupt the consensus splice site are a relatively common cause of aberrant splicing (PMID: 17576681, 9536098). Algorithms developed to predict the effect of sequence changes on RNA splicing suggest that this variant may disrupt the consensus splice site. In summary, the currently available evidence indicates that the variant is pathogenic, but additional data are needed to prove that conclusively. Therefore, this variant has been classified as Likely Pathogenic.

Literature cited by the submitters: PubMed 23595507; PubMed 17576681; PubMed 9536098.

NM_194454.3(KRIT1):c.2025G>C (p.Lys675Asn)

Gene: KRIT1 (KRIT1 ankyrin repeat containing; minus strand). Cytogenetic location: 7q21.2.
Variant type: single nucleotide variant.
Coding change: c.2025G>C on transcript NM_194454.3 (MANE Select); coding-DNA position 2025, G replaced by C.
Protein change: p.Lys675Asn; replaces lysine 675 with asparagine.
Molecular consequence: missense variant.
Genome position (GRCh38, 1-based): chr7:92,213,195, C>G on the plus strand (G>C on the coding strand, the complement: KRIT1 is on the minus strand). VCF-style: chr7-92213195-C-G. GRCh37 (hg19) VCF-style: chr7-91842509-C-G.
Other names: c.1881G>C, p.Lys627Asn (NM_001013406.2, NM_001350669.1, NM_001350670.1); c.1311G>C, p.Lys437Asn (NM_001350671.1); c.2025G>C, p.Lys675Asn (NM_001350672.1, NM_001350673.1, NM_001350674.1 and 26 more transcripts); short protein forms K437N, K627N, K675N.
Identifiers: ClinVar variation 2735042 (VCV002735042.3), dbSNP rs2535703286, ClinGen allele CA368138965.
Genomic context (GRCh38, chr7:92,213,195, plus strand): 5'-TTGGTACTGTTGTTTTAACTATTATATGACATGATTGGTAAAAAAGAGCTGAAAATCTAC[C>G]TTAGTTTCCATGTTGAGGAGATGAAGTCCTTTTATATTCACTCCTACATACACAGGGATG-3'
Protein context (NP_919436.1, residues 665-685): KGLHLLNMET[Lys675Asn]ALLISLKYGC